The following is an entry in ClinVar:

NM_024675.4(PALB2):c.1306A>G (p.Lys436Glu)

Gene: PALB2 (partner and localizer of BRCA2; minus strand). Cytogenetic location: 16p12.2.
Variant type: single nucleotide variant.
Coding change: c.1306A>G on transcript NM_024675.4 (MANE Select); coding-DNA position 1306, A replaced by G.
Protein change: p.Lys436Glu; replaces lysine 436 with glutamic acid.
Molecular consequence: missense variant.
Genome position (GRCh38, 1-based): chr16:23,635,240, T>C on the plus strand (A>G on the coding strand, the complement: PALB2 is on the minus strand). VCF-style: chr16-23635240-T-C. GRCh37 (hg19) VCF-style: chr16-23646561-T-C.
Other names: c.1246A>G, p.Lys416Glu (NM_001407296.1); c.1306A>G, p.Lys436Glu (NM_001407297.1, NM_001407298.1, NM_001407299.1 and 3 more transcripts); c.421A>G, p.Lys141Glu (NM_001407304.1, NM_001407305.1, NM_001407306.1 and 5 more transcripts); short protein forms K416E, K141E, K436E.
Identifiers: ClinVar variation 1769519 (VCV001769519.3), dbSNP rs2142419798, ClinGen allele CA395132428.

ClinVar aggregate classification (germline): Uncertain significance. Review status: criteria provided, multiple submitters, no conflicts (2 of 4 stars). 2 submissions from 2 submitters: Uncertain significance (2). Last evaluated 2026-04-16.

Conditions:
Hereditary cancer-predisposing syndrome. Also called: Hereditary Cancer Syndrome; Hereditary neoplastic syndrome; Tumor predisposition; Neoplastic Syndromes, Hereditary. Identifiers: Orphanet 140162, MedGen C0027672, MeSH D009386, MONDO:0015356.

Submissions (2):

Helix
Classification: Uncertain significance for Hereditary cancer-predisposing syndrome. Last evaluated: 2026-04-16. Review status: criteria provided, single submitter. Criteria: ACMG Guidelines, 2015. Collection method: clinical testing. Allele origin: germline. Inheritance: Autosomal dominant inheritance.
Comment: This variant (NM_024675.4:c.1306A>G p.Lys436Glu) results in the substitution of lysine with glutamic acid at codon 436 in the PALB2 protein. It is a rare variant that is absent from the large gnomAD population database (v4.1). To our knowledge, this variant has not been reported in individuals with PALB2-related conditions in the published literature. This variant is present in ClinVar (Accession: VCV001769519.2). In conclusion, since the available evidence is limited, the clinical significance of this variant is unclear at this time. Therefore, it is classified as a Variant of Uncertain Significance.

Ambry Genetics
Classification: Uncertain significance for Hereditary cancer-predisposing syndrome. Last evaluated: 2022-07-13. Review status: criteria provided, single submitter. Criteria: Ambry Variant Classification Scheme 2023. Collection method: clinical testing. Allele origin: germline.
Comment: The p.K436E variant (also known as c.1306A>G), located in coding exon 4 of the PALB2 gene, results from an A to G substitution at nucleotide position 1306. The lysine at codon 436 is replaced by glutamic acid, an amino acid with similar properties. This amino acid position is conserved. In addition, this alteration is predicted to be tolerated by in silico analysis. Since supporting evidence is limited at this time, the clinical significance of this alteration remains unclear.